The following is an entry in ClinVar:

ClinVar aggregate classification (germline): Likely benign. Review status: criteria provided, multiple submitters, no conflicts (2 of 4 stars). 3 submissions from 3 submitters: Likely benign (3). Last evaluated 2026-06-01.

Conditions:
Cardiovascular phenotype. Identifiers: MedGen CN230736.
Desmin-related myofibrillar myopathy (MFM1). Also called: MYOFIBRILLAR MYOPATHY WITH ARRHYTHMOGENIC RIGHT VENTRICULAR CARDIOMYOPATHY; DESMIN-RELATED MYOPATHY WITH ARRHYTHMOGENIC RIGHT VENTRICULAR CARDIOMYOPATHY; Desminopathy; Desmin related myopathy (former name); Desmin storage myopathy (former name); Myofibrillar myopathy 1. Identifiers: Orphanet 363543, Orphanet 98909, MedGen C1832370, MONDO:0011076, OMIM 601419.

Allele frequency attached by ClinVar (database versions not stated): gnomAD 0.00001.
gnomAD v4.1: 9 of 1,603,590 alleles (0.00056%); highest among the groups gnomAD compares: Non-Finnish European, 0.00076%; no homozygotes.

Submissions (3):

CeGaT Center for Human Genetics Tuebingen
Classification: Likely benign. Last evaluated: 2026-06-01. Review status: criteria provided, single submitter. Criteria: CeGaT Center For Human Genetics Tuebingen Variant Classification Criteria Version 2. Collection method: clinical testing. Allele origin: germline. Affected: yes. Observed: 3 variant alleles.
Comment: DES: BP4, BP7

Labcorp Genetics (formerly Invitae), Labcorp
Classification: Likely benign for Desmin-related myofibrillar myopathy. Last evaluated: 2026-01-10. Review status: criteria provided, single submitter. Criteria: Invitae Variant Classification Sherloc (09022015). Collection method: clinical testing. Allele origin: germline.

Ambry Genetics
Classification: Likely benign for Cardiovascular phenotype. Last evaluated: 2025-03-14. Review status: criteria provided, single submitter. Criteria: Ambry Variant Classification Scheme 2023. Collection method: clinical testing. Allele origin: germline.

NM_001927.4(DES):c.54C>T (p.Phe18=)

Gene: DES (desmin; plus strand). Cytogenetic location: 2q35.
Variant type: single nucleotide variant.
Coding change: c.54C>T on transcript NM_001927.4 (MANE Select); coding-DNA position 54, C replaced by T.
Protein change: p.Phe18=; no amino-acid change (phenylalanine 18 retained).
Molecular consequence: synonymous variant.
Genome position (GRCh38, 1-based): chr2:219,418,516, C>T. VCF-style: chr2-219418516-C-T. GRCh37 (hg19) VCF-style: chr2-220283238-C-T.
Other names: c.54C>T, p.Phe18= (NM_001382708.1, NM_001382709.1, NM_001382710.1 and 3 more transcripts); c.54C>T (NM_001927.3).
Identifiers: ClinVar variation 1579817 (VCV001579817.37), dbSNP rs1420981881, ClinGen allele CA431427424.